The following is an entry in ClinVar:

ClinVar aggregate classification (germline): Uncertain significance (1 of 4 stars; one submission).

Submission:

Labcorp Genetics (formerly Invitae), Labcorp
Classification: Uncertain significance. Last evaluated: 2022-09-07. Review status: criteria provided, single submitter. Criteria: Invitae Variant Classification Sherloc (09022015). Collection method: clinical testing. Allele origin: germline.
Comment: In summary, the available evidence is currently insufficient to determine the role of this variant in disease. Therefore, it has been classified as a Variant of Uncertain Significance. Algorithms developed to predict the effect of missense changes on protein structure and function are either unavailable or do not agree on the potential impact of this missense change (SIFT: "Tolerated"; PolyPhen-2: "Probably Damaging"; Align-GVGD: "Class C0"). This variant has not been reported in the literature in individuals affected with C8B-related conditions. This variant is not present in population databases (gnomAD no frequency). This sequence change replaces serine, which is neutral and polar, with threonine, which is neutral and polar, at codon 501 of the C8B protein (p.Ser501Thr).

NM_000066.4(C8B):c.1502G>C (p.Ser501Thr)

Gene: C8B (complement C8 beta chain; minus strand). Cytogenetic location: 1p32.2.
Variant type: single nucleotide variant.
Coding change: c.1502G>C on transcript NM_000066.4 (MANE Select); coding-DNA position 1502, G replaced by C.
Protein change: p.Ser501Thr; replaces serine 501 with threonine.
Molecular consequence: missense variant.
Genome position (GRCh38, 1-based): chr1:56,933,385, C>G on the plus strand (G>C on the coding strand, the complement: C8B is on the minus strand). VCF-style: chr1-56933385-C-G. GRCh37 (hg19) VCF-style: chr1-57399058-C-G.
Other names: c.1346G>C, p.Ser449Thr (NM_001278543.2); c.1316G>C, p.Ser439Thr (NM_001278544.2); short protein forms S449T, S439T, S501T.
Identifiers: ClinVar variation 2106765 (VCV002106765.2), dbSNP rs1644729935, ClinGen allele CA340520314.